The following is an entry in ClinVar:

ClinVar aggregate classification (germline): Uncertain significance (1 of 4 stars; one submission).

Conditions:
Very long chain acyl-CoA dehydrogenase deficiency (ACADVLD). Also called: Very Long-Chain Acyl-Coenzyme A Dehydrogenase Deficiency; VLCAD Deficiency. Identifiers: Orphanet 26793, MedGen C3887523, MONDO:0008723, OMIM 201475.

Submission:

Labcorp Genetics (formerly Invitae), Labcorp
Classification: Uncertain significance for Very long chain acyl-CoA dehydrogenase deficiency. Last evaluated: 2022-10-17. Review status: criteria provided, single submitter. Criteria: Invitae Variant Classification Sherloc (09022015). Collection method: clinical testing. Allele origin: germline.
Comment: This sequence change replaces proline, which is neutral and non-polar, with serine, which is neutral and polar, at codon 65 of the ACADVL protein (p.Pro65Ser). This variant is not present in population databases (gnomAD no frequency). This variant has not been reported in the literature in individuals affected with ACADVL-related conditions. Algorithms developed to predict the effect of missense changes on protein structure and function (SIFT, PolyPhen-2, Align-GVGD) all suggest that this variant is likely to be tolerated. In summary, the available evidence is currently insufficient to determine the role of this variant in disease. Therefore, it has been classified as a Variant of Uncertain Significance.

NM_000018.4(ACADVL):c.193C>T (p.Pro65Ser)

Gene: ACADVL (acyl-CoA dehydrogenase very long chain; plus strand). Cytogenetic location: 17p13.1.
Variant type: single nucleotide variant.
Coding change: c.193C>T on transcript NM_000018.4 (MANE Select); coding-DNA position 193, C replaced by T.
Protein change: p.Pro65Ser; replaces proline 65 with serine.
Molecular consequence: missense variant. On other transcripts: 5 prime UTR variant (1), intron variant (1).
Genome position (GRCh38, 1-based): chr17:7,220,518, C>T. VCF-style: chr17-7220518-C-T. GRCh37 (hg19) VCF-style: chr17-7123837-C-T.
Other names: c.262C>T, p.Pro88Ser (NM_001270447.2); c.-36C>T (NM_001270448.2); c.139-86C>T (NM_001033859.3); short protein forms P88S, P65S.
Identifiers: ClinVar variation 2073453 (VCV002073453.1), dbSNP rs2142964441, ClinGen allele CA397722287.
Genomic context (GRCh38, chr17:7,220,518, plus strand): 5'-TCCCAGCTGGCTCTGGACAAGTCAGATTCCCACCCCTCTGACGCTCTGACCAGGAAAAAA[C>T]CGGCCAAGGCGGTAGGTAGCCCCGAGGCCAGGTGGACCTTAGCCAGACCCAACCAGAGCC-3'
Protein context (NP_000009.1, residues 55-75): HPSDALTRKK[Pro65Ser]AKAESKSFAV